The following is an entry in ClinVar:

ClinVar aggregate classification (germline): Uncertain significance (1 of 4 stars; one submission).

gnomAD v4.1: 1 of 1,607,728 alleles (0.000062%); highest among the groups gnomAD compares: Non-Finnish European, 0.000085%; no homozygotes.

Submission:

Ambry Genetics
Classification: Uncertain significance. Last evaluated: 2026-04-01. Review status: criteria provided, single submitter. Criteria: Ambry Variant Classification Scheme 2023. Collection method: clinical testing. Allele origin: germline.
Comment: The c.26G>C (p.S9T) alteration is located in exon 2 (coding exon 1) of the CCNK gene. This alteration results from a G to C substitution at nucleotide position 26, causing the serine (S) at amino acid position 9 to be replaced by a threonine (T). Based on data from gnomAD, the C allele has an overall frequency of 0.003% (1/31396) total alleles studied. The highest observed frequency was 0.007% (1/15428) of European (non-Finnish) alleles. Based on insufficient or conflicting evidence, the clinical significance of this alteration remains unclear.

NM_001099402.2(CCNK):c.26G>C (p.Ser9Thr)

Gene: CCNK (cyclin K; plus strand). Cytogenetic location: 14q32.2.
Variant type: single nucleotide variant.
Coding change: c.26G>C on transcript NM_001099402.2 (MANE Select); coding-DNA position 26, G replaced by C.
Protein change: p.Ser9Thr; replaces serine 9 with threonine.
Molecular consequence: missense variant.
Genome position (GRCh38, 1-based): chr14:99,492,703, G>C. VCF-style: chr14-99492703-G-C. GRCh37 (hg19) VCF-style: chr14-99959040-G-C.
Other names: short protein forms S9T.
Identifiers: ClinVar variation 4868319 (VCV004868319.1).